The following is an entry in ClinVar:

NM_152564.5(VPS13B):c.1001del (p.Tyr334fs)

Gene: VPS13B (vacuolar protein sorting 13 homolog B; plus strand). Cytogenetic location: 8q22.2.
Variant type: Deletion.
Coding change: c.1001del on transcript NM_152564.5 (MANE Select); coding-DNA position 1001, one base deleted (A; older notation c.1001delA).
Protein change: p.Tyr334fs; shifts the reading frame from tyrosine 334.
Molecular consequence: frameshift variant. On other transcripts: non-coding transcript variant (1).
Genome position (GRCh38, 1-based): chr8:99,121,240, A deleted. VCF-style (leftmost placement, unchanged base first): chr8-99121239-TA-T. GRCh37 (hg19) VCF-style: chr8-100133467-TA-T.
Other names: c.1001del (NM_017890.4); c.1001del, p.Tyr334fs (NM_015243.3, NM_017890.5, NM_181661.3); c.1001delA (NM_017890.4); short protein forms Y334fs.
Identifiers: ClinVar variation 370218 (VCV000370218.11), dbSNP rs1057516324, ClinGen allele CA16041221.
Genomic context (GRCh38, chr8:99,121,239, plus strand): 5'-TCTGAAGATGAAACAAGAATAGATATGCAATATCCTGCTCAGCATAAAGGTCAAGAGTTA[TA>T]TTCACAGCAAGATGAGGAGCAGCCACAGGGATGGGTGTCATGGGCCTGGTCCTTTGTGCC-3'

ClinVar aggregate classification (germline): Pathogenic/Likely pathogenic. Review status: criteria provided, multiple submitters, no conflicts (2 of 4 stars). 3 submissions from 3 submitters: Pathogenic (1); Likely pathogenic (1). 1 of the submissions does not count toward it. Last evaluated 2024-01-12.

Conditions:
Cohen syndrome (COH1). Also called: PEPPER SYNDROME; Cutis verticis gyrata, retinitis pigmentosa, and sensorineural deafness. Identifiers: Orphanet 193, MedGen C0265223, MONDO:0008999, OMIM 216550.

Submissions (3):

Fulgent Genetics
Classification: Likely pathogenic for Cohen syndrome. Last evaluated: 2024-01-12. Review status: criteria provided, single submitter. Criteria: ACMG Guidelines, 2015. Collection method: clinical testing. Allele origin: germline.

Labcorp Genetics (formerly Invitae), Labcorp
Classification: Pathogenic for Cohen syndrome. Last evaluated: 2023-12-11. Review status: criteria provided, single submitter. Criteria: Invitae Variant Classification Sherloc (09022015). Collection method: clinical testing. Allele origin: germline.
Comment: This sequence change creates a premature translational stop signal (p.Tyr334Phefs*24) in the VPS13B gene. It is expected to result in an absent or disrupted protein product. Loss-of-function variants in VPS13B are known to be pathogenic (PMID: 15141358, 16648375, 20461111). This variant is not present in population databases (gnomAD no frequency). This variant has not been reported in the literature in individuals affected with VPS13B-related conditions. ClinVar contains an entry for this variant (Variation ID: 370218). For these reasons, this variant has been classified as Pathogenic.

Counsyl
Classification: Likely pathogenic for Cohen syndrome. Last evaluated: 2015-12-15. Review status: no assertion criteria provided. Collection method: clinical testing. Allele origin: unknown. Not counted in ClinVar's aggregate classification.

Literature cited by the submitters: PubMed 15141358 (cited by Labcorp Genetics (formerly Invitae), Labcorp); PubMed 16648375 (cited by Labcorp Genetics (formerly Invitae), Labcorp); PubMed 20461111 (cited by Labcorp Genetics (formerly Invitae), Labcorp).